The following is an entry in ClinVar:

ClinVar aggregate classification (germline): Uncertain significance (1 of 4 stars; one submission).

Conditions:
Melnick-Needles syndrome (MNS). Also called: MELNICK-NEEDLES OSTEODYSPLASTY; OSTEODYSPLASTY OF MELNICK AND NEEDLES; Melnick-Needles Syndrome (FLNA-MNS). Identifiers: Orphanet 2484, MedGen C0025237, MONDO:0010650, OMIM 309350.
Frontometaphyseal dysplasia (FMD1). Identifiers: Orphanet 1826, MedGen C0265293, MONDO:0015942.
Heterotopia, periventricular, X-linked dominant (PVNH1). Also called: PERIVENTRICULAR NODULAR HETEROTOPIA 1; X-linked periventricular heterotopia; PERIVENTRICULAR NODULAR HETEROTOPIA 4; HETEROTOPIA, PERIVENTRICULAR, 1. Identifiers: Orphanet 2149, Orphanet 82004, MedGen C1848213, MONDO:0010233, OMIM 300049.
Oto-palato-digital syndrome, type II (OPD2). Also called: FACIOPALATOOSSEOUS SYNDROME; OPD II SYNDROME; Otopalatodigital Syndrome, Type II; Otopalatodigital Syndrome Type 2 (FLNA-OPD2). Identifiers: Orphanet 669, Orphanet 90652, MedGen C1844696, MONDO:0010571, OMIM 304120.

Submission:

Labcorp Genetics (formerly Invitae), Labcorp
Classification: Uncertain significance for Oto-palato-digital syndrome, type II; Heterotopia, periventricular, X-linked dominant; Frontometaphyseal dysplasia; Melnick-Needles syndrome. Last evaluated: 2024-05-08. Review status: criteria provided, single submitter. Criteria: Invitae Variant Classification Sherloc (09022015). Collection method: clinical testing. Allele origin: germline.
Comment: This sequence change replaces tryptophan, which is neutral and slightly polar, with serine, which is neutral and polar, at codon 52 of the FLNA protein (p.Trp52Ser). This variant is not present in population databases (gnomAD no frequency). This variant has not been reported in the literature in individuals affected with FLNA-related conditions. Advanced modeling of protein sequence and biophysical properties (such as structural, functional, and spatial information, amino acid conservation, physicochemical variation, residue mobility, and thermodynamic stability) performed at Invitae indicates that this missense variant is expected to disrupt FLNA protein function with a positive predictive value of 95%. In summary, the available evidence is currently insufficient to determine the role of this variant in disease. Therefore, it has been classified as a Variant of Uncertain Significance.

NM_001110556.2(FLNA):c.155G>C (p.Trp52Ser)

Gene: FLNA (filamin A; minus strand). Cytogenetic location: Xq28.
Variant type: single nucleotide variant.
Coding change: c.155G>C on transcript NM_001110556.2 (MANE Select); coding-DNA position 155, G replaced by C.
Protein change: p.Trp52Ser; replaces tryptophan 52 with serine.
Molecular consequence: missense variant.
Genome position (GRCh38, 1-based): chrX:154,371,091, C>G on the plus strand (G>C on the coding strand, the complement: FLNA is on the minus strand). VCF-style: chrX-154371091-C-G. GRCh37 (hg19) VCF-style: chrX-153599459-C-G.
Other names: c.155G>C, p.Trp52Ser (NM_001456.4); short protein forms W52S.
Identifiers: ClinVar variation 3754021 (VCV003754021.2).